The following is an entry in ClinVar:

NM_000360.4(TH):c.1252dup (p.Ala418fs)

Gene: TH (tyrosine hydroxylase; minus strand). Cytogenetic location: 11p15.5.
Variant type: Duplication.
Coding change: c.1252dup on transcript NM_000360.4 (MANE Select); coding-DNA position 1252, one base duplicated (G; older notation c.1252dupG).
Protein change: p.Ala418fs; shifts the reading frame from alanine 418.
Molecular consequence: frameshift variant.
Genome position (GRCh38, 1-based): chr11:2,165,314, C duplicated on the plus strand (G on the coding strand, the reverse complement: TH is on the minus strand); the first of 2 consecutive C bases (chr11:2,165,314-2,165,315); duplicating either gives the same sequence. VCF-style (leftmost placement, unchanged base first): chr11-2165313-G-GC. GRCh37 (hg19) VCF-style: chr11-2186543-G-GC.
Other names: c.1345dup, p.Ala449fs (NM_199292.3); c.1333dup, p.Ala445fs (NM_199293.3); short protein forms A449fs, A418fs, A445fs.
Identifiers: ClinVar variation 2052457 (VCV002052457.4), dbSNP rs2495789618, ClinGen allele CA2580082620.

ClinVar aggregate classification (germline): Pathogenic (1 of 4 stars; one submission).

Conditions:
TH-deficient dopa-responsive dystonia. Also called: Tyrosine Hydroxylase-Deficient Dopa-Responsive Dystonia; Segawa syndrome, autosomal recessive; DYT-TH. Identifiers: Orphanet 101150, MedGen C2673535, MONDO:0011551, OMIM 605407.

Submission:

Labcorp Genetics (formerly Invitae), Labcorp
Classification: Pathogenic for TH-deficient dopa-responsive dystonia. Last evaluated: 2021-12-22. Review status: criteria provided, single submitter. Criteria: Invitae Variant Classification Sherloc (09022015). Collection method: clinical testing. Allele origin: germline.
Comment: This sequence change creates a premature translational stop signal (p.Ala449Glyfs*18) in the TH gene. While this is not anticipated to result in nonsense mediated decay, it is expected to disrupt the last 80 amino acid(s) of the TH protein. This variant is not present in population databases (gnomAD no frequency). This variant has not been reported in the literature in individuals affected with TH-related conditions. This variant disrupts a region of the TH protein in which other variant(s) (p.Val499Met) have been determined to be pathogenic (PMID: 33072517). This suggests that this is a clinically significant region of the protein, and that variants that disrupt it are likely to be disease-causing. For these reasons, this variant has been classified as Pathogenic.

Literature cited by the submitters: PubMed 33072517.